The following is an entry in ClinVar:

ClinVar aggregate classification (germline): Uncertain significance (0 of 4 stars; one submission).

Conditions:
NRP2-related disorder. Also called: NRP2-related condition.

Allele frequency attached by ClinVar (database versions not stated): ExAC 0.00001; gnomAD exomes 0.00001; TOPMed 0.00001.
gnomAD v4.1: 12 of 1,614,116 alleles (0.00074%); highest among the groups gnomAD compares: Non-Finnish European, 0.00093%; no homozygotes.

Submission:

PreventionGenetics, part of Exact Sciences
Classification: Uncertain significance for NRP2-related condition. Last evaluated: 2024-02-23. Review status: no assertion criteria provided. Collection method: clinical testing. Allele origin: germline.
Comment: The NRP2 c.1682G>A variant is predicted to result in the amino acid substitution p.Arg561Gln. To our knowledge, this variant has not been reported in the literature. This variant is reported in 0.0018% of alleles in individuals of European (Non-Finnish) descent in gnomAD. At this time, the clinical significance of this variant is uncertain due to the absence of conclusive functional and genetic evidence.

NM_003872.3(NRP2):c.1682G>A (p.Arg561Gln)

Gene: NRP2 (neuropilin 2; plus strand). Cytogenetic location: 2q33.3.
Variant type: single nucleotide variant.
Coding change: c.1682G>A on transcript NM_003872.3 (MANE Select); coding-DNA position 1682, G replaced by A.
Protein change: p.Arg561Gln; replaces arginine 561 with glutamine.
Molecular consequence: missense variant.
Genome position (GRCh38, 1-based): chr2:205,745,786, G>A. VCF-style: chr2-205745786-G-A. GRCh37 (hg19) VCF-style: chr2-206610510-G-A.
Other names: c.1682G>A, p.Arg561Gln (NM_018534.4, NM_201266.2, NM_201267.2 and 1 more transcripts); short protein forms R561Q.
Identifiers: ClinVar variation 3047871 (VCV003047871.2), dbSNP rs766899842, ClinGen allele CA2069163.